The following is an entry in ClinVar:

ClinVar aggregate classification (germline): Likely benign (1 of 4 stars; one submission).

Submission:

Women's Health and Genetics/Laboratory Corporation of America, LabCorp
Classification: Likely benign. Last evaluated: 2025-11-10. Review status: criteria provided, single submitter. Criteria: LabCorp Variant Classification Summary - May 2015. Collection method: clinical testing. Allele origin: germline.
Comment: Variant summary: FBN1 c.3141C>T results in a synonymous change. Consensus agreement among computation tools predict no significant impact on normal splicing. However, these predictions have yet to be confirmed by functional studies. The variant was absent in 251488 control chromosomes. The available data on variant occurrences in the general population are insufficient to allow any conclusion about variant significance. To our knowledge, no occurrence of c.3141C>T in individuals affected with FBN1-related conditions and no experimental evidence demonstrating its impact on protein function have been reported. No submitters have cited clinical-significance assessments for this variant to ClinVar. Based on the evidence outlined above, the variant was classified as likely benign.

NM_000138.5(FBN1):c.3141C>T (p.Thr1047=)

Gene: FBN1 (fibrillin 1; minus strand). Cytogenetic location: 15q21.1.
Variant type: single nucleotide variant.
Coding change: c.3141C>T on transcript NM_000138.5 (MANE Select); coding-DNA position 3141, C replaced by T.
Protein change: p.Thr1047=; no amino-acid change (threonine 1047 retained).
Molecular consequence: synonymous variant.
Genome position (GRCh38, 1-based): chr15:48,488,435, G>A on the plus strand (C>T on the coding strand, the complement: FBN1 is on the minus strand). VCF-style: chr15-48488435-G-A. GRCh37 (hg19) VCF-style: chr15-48780632-G-A.
Other names: c.3141C>T, p.Thr1047= (NM_001406716.1).
Identifiers: ClinVar variation 4536884 (VCV004536884.1).